The following is an entry in ClinVar:

NM_138694.4(PKHD1):c.9299A>G (p.Glu3100Gly)

Gene: PKHD1 (PKHD1 ciliary IPT domain containing fibrocystin/polyductin; minus strand). Cytogenetic location: 6p12.3.
Variant type: single nucleotide variant.
Coding change: c.9299A>G on transcript NM_138694.4 (MANE Select); coding-DNA position 9299, A replaced by G.
Protein change: p.Glu3100Gly; replaces glutamic acid 3100 with glycine.
Molecular consequence: missense variant.
Genome position (GRCh38, 1-based): chr6:51,748,317, T>C on the plus strand (A>G on the coding strand, the complement: PKHD1 is on the minus strand). VCF-style: chr6-51748317-T-C. GRCh37 (hg19) VCF-style: chr6-51613115-T-C.
Other names: c.9299A>G, p.Glu3100Gly (NM_170724.3); short protein forms E3100G.
Identifiers: ClinVar variation 198016 (VCV000198016.8), dbSNP rs749998868, ClinGen allele CA246496.
Genomic context (GRCh38, chr6:51,748,317, plus strand): 5'-TCAGACCAAAGCAGTTCACAAGAGGAGCACTTGTGGCCTCGGATGTGAAAGCCAAGTCTC[T>C]CTGATCCTGCCACAACGTTGCCATGGAGGTTGATGTCCTTTACCTGGTTCACTTTGATTC-3'
Protein context (NP_619639.3, residues 3090-3110): NLHGNVVAGS[Glu3100Gly]RLGFHIRGHK

ClinVar aggregate classification (germline): Uncertain significance. Review status: criteria provided, multiple submitters, no conflicts (2 of 4 stars). 2 submissions from 2 submitters: Uncertain significance (2). Last evaluated 2023-12-21.

Conditions:
Autosomal recessive polycystic kidney disease (ARPKD). Also called: AR polycystic kidney disease. Identifiers: Orphanet 731, Orphanet 8378, MedGen C0085548, MeSH D017044, MONDO:0009889.

Allele frequency attached by ClinVar (database versions not stated): gnomAD exomes below 0.00001; ExAC 0.00001.
gnomAD v4.1: 1 of 1,614,062 alleles (0.000062%); highest among the groups gnomAD compares: Admixed American, 0.0017%; no homozygotes.

Submissions (2):

Labcorp Genetics (formerly Invitae), Labcorp
Classification: Uncertain significance for Autosomal recessive polycystic kidney disease. Last evaluated: 2023-12-21. Review status: criteria provided, single submitter. Criteria: Invitae Variant Classification Sherloc (09022015). Collection method: clinical testing. Allele origin: germline.
Comment: This sequence change replaces glutamic acid, which is acidic and polar, with glycine, which is neutral and non-polar, at codon 3100 of the PKHD1 protein (p.Glu3100Gly). This variant is present in population databases (rs749998868, gnomAD 0.003%). This missense change has been observed in individual(s) with polycystic kidney disease (Invitae). ClinVar contains an entry for this variant (Variation ID: 198016). Advanced modeling of protein sequence and biophysical properties (such as structural, functional, and spatial information, amino acid conservation, physicochemical variation, residue mobility, and thermodynamic stability) performed at Invitae indicates that this missense variant is expected to disrupt PKHD1 protein function with a positive predictive value of 95%. In summary, the available evidence is currently insufficient to determine the role of this variant in disease. Therefore, it has been classified as a Variant of Uncertain Significance.

Eurofins Ntd Llc (ga)
Classification: Uncertain significance. Last evaluated: 2014-06-11. Review status: criteria provided, single submitter. Criteria: EGL Classification Definitions 2015. Collection method: clinical testing. Allele origin: germline. Observed: 1 variant allele, 1 heterozygote.